The following is an entry in ClinVar:

ClinVar aggregate classification (germline): Likely pathogenic (1 of 4 stars; one submission).

Conditions:
Neurodevelopmental disorder with or without anomalies of the brain, eye, or heart (NEDBEH). Identifiers: Orphanet 494344, MedGen C5567477, MONDO:0014857, OMIM 616975.

Submission:

3billion
Classification: Likely pathogenic for Neurodevelopmental disorder with or without anomalies of the brain, eye, or heart. Last evaluated: 2022-09-01. Review status: criteria provided, single submitter. Criteria: ACMG Guidelines, 2015. Collection method: clinical testing. Allele origin: germline. Affected: yes. Observed: 1 heterozygote.
Comment: The variant is not observed in the gnomAD v2.1.1 dataset. Inframe deletion located in a nonrepeat region is predicted to change the length of the protein and disrupt normal protein function. The variant has been confirmed to be de novo as shown in the table above Therefore, this variant is classified as Likely pathogenic according to the recommendation of ACMG/AMP guideline.

NM_001042681.2(RERE):c.3493_3504del (p.Glu1165_Glu1168del)

Gene: RERE (arginine-glutamic acid dipeptide repeats; minus strand). Cytogenetic location: 1p36.23.
Variant type: Deletion.
Coding change: c.3493_3504del on transcript NM_001042681.2 (MANE Select); coding-DNA positions 3493 to 3504, 12 bases deleted (GAGGCCATTGAG).
Protein change: p.Glu1165_Glu1168del.
Molecular consequence: inframe deletion.
Genome position (GRCh38, 1-based): chr1:8,359,878-8,359,889, CTCAATGGCCTC deleted on the plus strand (GAGGCCATTGAG on the coding strand, the reverse complement: RERE is on the minus strand); deleting any 12 consecutive bases within chr1:8,359,878-8,359,892 gives the same sequence; the c. name uses the placement nearest the transcript's 3' end. VCF-style (leftmost placement, unchanged base first): chr1-8359877-TCTCAATGGCCTC-T. GRCh37 (hg19) VCF-style: chr1-8419937-TCTCAATGGCCTC-T.
Other names: c.1831_1842del, p.Glu611_Glu614del (NM_001042682.2); c.3493_3504del, p.Glu1165_Glu1168del (NM_012102.4).
Identifiers: ClinVar variation 1705338 (VCV001705338.1), dbSNP rs2522707034, ClinGen allele CA2580062566.